The following is an entry in ClinVar:

ClinVar aggregate classification (germline): Uncertain significance (1 of 4 stars; one submission).

Submission:

CeGaT Center for Human Genetics Tuebingen
Classification: Uncertain significance. Last evaluated: 2024-01-01. Review status: criteria provided, single submitter. Criteria: CeGaT Center For Human Genetics Tuebingen Variant Classification Criteria Version 2. Collection method: clinical testing. Allele origin: germline. Affected: yes. Observed: 1 variant allele.
Comment: WDFY3: PM2

NM_014991.6(WDFY3):c.976G>T (p.Ala326Ser)

Gene: WDFY3 (WD repeat and FYVE domain containing 3; minus strand). Cytogenetic location: 4q21.23.
Variant type: single nucleotide variant.
Coding change: c.976G>T on transcript NM_014991.6 (MANE Select); coding-DNA position 976, G replaced by T.
Protein change: p.Ala326Ser; replaces alanine 326 with serine.
Molecular consequence: missense variant.
Genome position (GRCh38, 1-based): chr4:84,826,962, C>A on the plus strand (G>T on the coding strand, the complement: WDFY3 is on the minus strand). VCF-style: chr4-84826962-C-A. GRCh37 (hg19) VCF-style: chr4-85748115-C-A.
Other names: short protein forms A326S.
Identifiers: ClinVar variation 3026985 (VCV003026985.22), dbSNP rs867852842, ClinGen allele CA357573708.